The following is an entry in ClinVar:

NM_003359.4(UGDH):c.465G>C (p.Gln155His)

Gene: UGDH (UDP-glucose 6-dehydrogenase; minus strand). Cytogenetic location: 4p14.
Variant type: single nucleotide variant.
Coding change: c.465G>C on transcript NM_003359.4 (MANE Select); coding-DNA position 465, G replaced by C.
Protein change: p.Gln155His; replaces glutamine 155 with histidine.
Molecular consequence: missense variant. On other transcripts: intron variant (1).
Genome position (GRCh38, 1-based): chr4:39,510,661, C>G on the plus strand (G>C on the coding strand, the complement: UGDH is on the minus strand). VCF-style: chr4-39510661-C-G. GRCh37 (hg19) VCF-style: chr4-39512281-C-G.
Other names: c.174G>C, p.Gln58His (NM_001184701.2); c.265-111G>C (NM_001184700.2); short protein forms Q155H, Q58H.
Identifiers: ClinVar variation 5020618 (VCV005020618.1).

ClinVar aggregate classification (germline): Uncertain significance (1 of 4 stars; one submission).

Submission:

Dasa
Classification: Uncertain significance. Last evaluated: 2026-05-05. Review status: criteria provided, single submitter. Criteria: DASA Assertion Criteria. Collection method: clinical testing. Allele origin: germline.
Comment: NM_003359.4(UGDH):c.465G>C (p.Gln155His) is a missense variant that results in the substitution of glutamine with histidine. This variant is rare in population databases. Computational prediction algorithms are consistent with a deleterious effect. The currently available literature and clinical evidence are not sufficient to establish a definitive association between this variant and the reported condition. Therefore, this variant is classified as a variant of uncertain significance.